The following is an entry in ClinVar:

ClinVar aggregate classification (germline): Uncertain significance (1 of 4 stars; one submission).

Submission:

Women's Health and Genetics/Laboratory Corporation of America, LabCorp
Classification: Uncertain significance. Last evaluated: 2025-10-06. Review status: criteria provided, single submitter. Criteria: LabCorp Variant Classification Summary - May 2015. Collection method: clinical testing. Allele origin: germline.
Comment: Variant summary: FAM149B1 c.1124T>G (p.Leu375Arg) results in a non-conservative amino acid change in the encoded protein sequence. Algorithms developed to predict the effect of missense changes on protein structure and function are either unavailable or do not agree on the potential impact of this missense change. The variant was absent in 156794 control chromosomes. The available data on variant occurrences in the general population are insufficient to allow any conclusion about variant significance. To our knowledge, no occurrence of c.1124T>G in individuals affected with FAM149B1-related conditions and no experimental evidence demonstrating its impact on protein function have been reported. No submitters have cited clinical-significance assessments for this variant to ClinVar. Based on the evidence outlined above, the variant was classified as uncertain significance.

NM_173348.2(FAM149B1):c.1124T>G (p.Leu375Arg)

Gene: FAM149B1 (family with sequence similarity 149 member B1; plus strand). Cytogenetic location: 10q22.2.
Variant type: single nucleotide variant.
Coding change: c.1124T>G on transcript NM_173348.2 (MANE Select); coding-DNA position 1124, T replaced by G.
Protein change: p.Leu375Arg; replaces leucine 375 with arginine.
Molecular consequence: missense variant.
Genome position (GRCh38, 1-based): chr10:73,230,522, T>G. VCF-style: chr10-73230522-T-G. GRCh37 (hg19) VCF-style: chr10-74990280-T-G.
Other names: short protein forms L375R.
Identifiers: ClinVar variation 4687569 (VCV004687569.1).